The following is an entry in ClinVar:

NM_003361.4(UMOD):c.606G>C (p.Trp202Cys)

Gene: UMOD (uromodulin; minus strand). Cytogenetic location: 16p12.3.
Variant type: single nucleotide variant.
Coding change: c.606G>C on transcript NM_003361.4 (MANE Select); coding-DNA position 606, G replaced by C.
Protein change: p.Trp202Cys; replaces tryptophan 202 with cysteine.
Molecular consequence: missense variant. On other transcripts: non-coding transcript variant (1).
Genome position (GRCh38, 1-based): chr16:20,348,695, C>G on the plus strand (G>C on the coding strand, the complement: UMOD is on the minus strand). VCF-style: chr16-20348695-C-G. GRCh37 (hg19) VCF-style: chr16-20360017-C-G.
Other names: c.606G>C, p.Trp202Cys (NM_001008389.3, NM_001378232.1, NM_001378233.1 and 3 more transcripts); c.705G>C, p.Trp235Cys (NM_001278614.2); short protein forms W202C, W235C.
Identifiers: ClinVar variation 3899870 (VCV003899870.1).

ClinVar aggregate classification (germline): Likely pathogenic (1 of 4 stars; one submission).

Conditions:
Familial juvenile hyperuricemic nephropathy type 1 (ADTKD1). Also called: UMOD-Associated Kidney Disease; Uromodulin-associated kidney disease; Autosomal Dominant Tubulointerstitial Kidney Disease – UMOD; Glomerulocystic kidney disease with hyperuricemia and isosthenuria; Medullary cystic kidney disease 2. Identifiers: Orphanet 209886, Orphanet 34149, Orphanet 88950, MedGen C4551496, MONDO:0008073, OMIM 162000.

Submission:

Genetics Department, Catlab
Classification: Likely pathogenic for Familial juvenile hyperuricemic nephropathy type 1. Last evaluated: 2025-04-04. Review status: criteria provided, single submitter. Criteria: ACMG Guidelines, 2015. Collection method: clinical testing. Allele origin: germline. Affected: yes. Observed: 1 variant allele.
Comment: The c.606G>C variant in the UMOD gene is absent from the gnomAD database (PM2) and is located in exon 3, where most pathogenic variants have been described (PM1). The change has a REVEL pathogenicity score of 0.93 (PP3_Moderate) and another change in the same amino acid has been described in the literature (chr16-20348697 A>G) (PM5). With all the available evidence, the variant is classified as likely pathogenic.